The following is an entry in ClinVar:

ClinVar aggregate classification (germline): Likely benign. Review status: criteria provided, multiple submitters, no conflicts (2 of 4 stars). 3 submissions from 3 submitters: Likely benign (3). Last evaluated 2026-02-03.

Conditions:
TRIM63-related disorder. Also called: TRIM63-related condition.

Allele frequency attached by ClinVar (database versions not stated): gnomAD exomes 0.00010; TOPMed 0.00013; ExAC 0.00016; ESP Exome Variant Server 0.00023; gnomAD 0.00005.
gnomAD v4.1: 164 of 1,614,022 alleles (0.01%); highest among the groups gnomAD compares: Admixed American, 0.047%; 1 homozygote.

Submissions (3):

PreventionGenetics, part of Exact Sciences
Classification: Likely benign for TRIM63-related condition. Last evaluated: 2026-02-03. Review status: criteria provided, single submitter. Criteria: ACMG Guidelines, 2015. Collection method: clinical testing. Allele origin: germline.
Comment: This variant is classified as likely benign based on ACMG/AMP sequence variant interpretation guidelines (Richards et al. 2015 PMID: 25741868, with internal and published modifications).

Molecular Diagnostic Laboratory for Inherited Cardiovascular Disease, Montreal Heart Institute
Classification: Likely benign. Last evaluated: 2025-07-24. Review status: criteria provided, single submitter. Criteria: ACMG Guidelines, 2015. Collection method: clinical testing. Allele origin: germline. Affected: no.
Comment: BP7

Women's Health and Genetics/Laboratory Corporation of America, LabCorp
Classification: Likely benign. Last evaluated: 2023-08-19. Review status: criteria provided, single submitter. Criteria: LabCorp Variant Classification Summary - May 2015. Collection method: clinical testing. Allele origin: germline.

NM_032588.4(TRIM63):c.951C>T (p.Asp317=)

Gene: TRIM63 (tripartite motif containing 63; minus strand). Cytogenetic location: 1p36.11.
Variant type: single nucleotide variant.
Coding change: c.951C>T on transcript NM_032588.4 (MANE Select); coding-DNA position 951, C replaced by T.
Protein change: p.Asp317=; no amino-acid change (aspartic acid 317 retained).
Molecular consequence: synonymous variant.
Genome position (GRCh38, 1-based): chr1:26,057,231, G>A on the plus strand (C>T on the coding strand, the complement: TRIM63 is on the minus strand). VCF-style: chr1-26057231-G-A. GRCh37 (hg19) VCF-style: chr1-26383722-G-A.
Identifiers: ClinVar variation 2581235 (VCV002581235.3), dbSNP rs147739771, ClinGen allele CA699480.